The following is an entry in ClinVar:

NM_000535.7(PMS2):c.1149C>G (p.Asn383Lys)

Gene: PMS2 (PMS1 homolog 2, mismatch repair system component; minus strand). Cytogenetic location: 7p22.1.
Variant type: single nucleotide variant.
Coding change: c.1149C>G on transcript NM_000535.7 (MANE Select); coding-DNA position 1149, C replaced by G.
Protein change: p.Asn383Lys; replaces asparagine 383 with lysine.
Molecular consequence: missense variant. On other transcripts: non-coding transcript variant (1).
Genome position (GRCh38, 1-based): chr7:5,987,616, G>C on the plus strand (C>G on the coding strand, the complement: PMS2 is on the minus strand). VCF-style: chr7-5987616-G-C. GRCh37 (hg19) VCF-style: chr7-6027247-G-C.
Other names: c.744C>G, p.Asn248Lys (NM_001322003.2, NM_001322004.2, NM_001322005.2 and 1 more transcripts); c.993C>G, p.Asn331Lys (NM_001322006.2); c.831C>G, p.Asn277Lys (NM_001322007.2, NM_001322008.2); c.588C>G, p.Asn196Lys (NM_001322010.2); c.216C>G, p.Asn72Lys (NM_001322011.2, NM_001322012.2); c.576C>G, p.Asn192Lys (NM_001322013.2); c.1149C>G, p.Asn383Lys (NM_001322014.2); c.840C>G, p.Asn280Lys (NM_001322015.2); short protein forms N383K, N331K, N72K, N277K, N192K, N196K, N248K, N280K.
Identifiers: ClinVar variation 619587 (VCV000619587.3), dbSNP rs1562637166, ClinGen allele CA366742697.
Genomic context (GRCh38, chr7:5,987,616, plus strand): 5'-GGATTGATCCTGCTTTTCTACCATGGGCTTTTCCAAATCCGCTGCATGCATTTTTATTAA[G>C]TTACCTAAGCAAACGTGGACGGAGAAGAGGGTCAGGGACTATCCTGAAATGGTGAGAGGA-3'
Protein context (NP_000526.2, residues 373-393): SQQPLLDVEG[Asn383Lys]LIKMHAADLE

ClinVar aggregate classification (germline): Uncertain significance (1 of 4 stars; one submission).

Conditions:
Lynch syndrome. Identifiers: Orphanet 144, MedGen C4552100, MONDO:0005835. Disease mechanism: loss of function.

Submission:

University of Washington Department of Laboratory Medicine, University of Washington
Classification: Uncertain significance for Lynch syndrome. Last evaluated: 2018-05-01. Review status: criteria provided, single submitter. Criteria: Shirts BH et al. (Am J Hum Genet 2018). Collection method: clinical testing. Allele origin: somatic. Affected: yes.
Comment: PMS2 NM_000535.5:c.1149C>G has a 14.8% probability of pathogenicity based on combining prior probability from public data with a likelihood ratio of 1.56 to 1, generated from evidence of seeing this as a somatic mutation in a tumor without loss of heterozygosity at the PMS2 locus. See Shirts et al 2018, PMID 29887214.